The following is an entry in ClinVar:

NM_007194.4(CHEK2):c.1260-14C>T

Gene: CHEK2 (checkpoint kinase 2; minus strand). Cytogenetic location: 22q12.1.
Variant type: single nucleotide variant.
Coding change: c.1260-14C>T on transcript NM_007194.4 (MANE Select); 14 bases into the intron before coding-DNA position 1260, C replaced by T.
Molecular consequence: intron variant.
Genome position (GRCh38, 1-based): chr22:28,695,256, G>A on the plus strand (C>T on the coding strand, the complement: CHEK2 is on the minus strand). VCF-style: chr22-28695256-G-A. GRCh37 (hg19) VCF-style: chr22-29091244-G-A.
Other names: c.597-14C>T (NM_001437942.1, NM_001257387.3); c.1059-14C>T (NM_001349956.3); c.1173-14C>T (NM_145862.3); c.1266-14C>T (NM_001438295.1); c.1353-14C>T (NM_001438293.1); c.1302-14C>T (NM_001438294.1); c.1389-14C>T (NM_001005735.3).
Identifiers: ClinVar variation 3773597 (VCV003773597.1).
Genomic context (GRCh38, chr22:28,695,256, plus strand): 5'-GTGACACTTGAGTCCTATGCTCAGAGAAAGGTGGATACCCACTAAGGCTTAATATTGGTA[G>A]AGAGAGAAAGGAAAAGAAATCAAGTGGCATTCTCAGTGGCATTCAGATATAAAGATTTCT-3'

ClinVar aggregate classification (germline): Likely benign (1 of 4 stars; one submission).

Conditions:
Familial cancer of breast. Also called: Hereditary breast cancer; BREAST CANCER, FAMILIAL; hereditary breast carcinoma. Identifiers: Orphanet 227535, MedGen C0346153, MONDO:0016419, OMIM 114480. Disease mechanism: loss of function.

Submission:

Myriad Genetics, Inc.
Classification: Likely benign for Familial cancer of breast. Last evaluated: 2024-10-07. Review status: criteria provided, single submitter. Criteria: Myriad Autosomal Dominant, Autosomal Recessive and X-Linked Classification Criteria (2023). Collection method: clinical testing. Allele origin: unknown.
Comment: This variant is considered likely benign. This variant is intronic and is not expected to impact mRNA splicing.